The following is an entry in ClinVar:

NM_000257.4(MYH7):c.4879A>C (p.Ile1627Leu)

Genes: MHRT (myosin heavy chain associated RNA transcript; plus strand), MYH7 (myosin heavy chain 7; minus strand), LOC126861897 (BRD4-independent group 4 enhancer GRCh37_chr14:23884455-23885654; plus strand). Cytogenetic location: 14q11.2.
Variant type: single nucleotide variant.
Coding change: c.4879A>C on transcript NM_000257.4 (MANE Select); coding-DNA position 4879, A replaced by C.
Protein change: p.Ile1627Leu; replaces isoleucine 1627 with leucine.
Molecular consequence: missense variant. On other transcripts: non-coding transcript variant (1).
Genome position (GRCh38, 1-based): chr14:23,416,078, T>G on the plus strand (A>C on the coding strand, the complement: MYH7 is on the minus strand). VCF-style: chr14-23416078-T-G. GRCh37 (hg19) VCF-style: chr14-23885287-T-G.
Other names: c.4879A>C, p.Ile1627Leu (NM_001407004.1); short protein forms I1627L.
Identifiers: ClinVar variation 2773893 (VCV002773893.3), dbSNP rs1445124103, ClinGen allele CA389037440.

ClinVar aggregate classification (germline): Uncertain significance. Review status: criteria provided, multiple submitters, no conflicts (2 of 4 stars). 2 submissions from 2 submitters: Uncertain significance (2). Last evaluated 2024-03-06.

Conditions:
Cardiomyopathy (CMYO). Also called: Cardiomyopathies. Identifiers: Orphanet 167848, MedGen C0878544, MONDO:0004994, HP:0001638. Inheritance: Various modes of inheritance.

Submissions (2):

Color Diagnostics, LLC DBA Color Health
Classification: Uncertain significance for Cardiomyopathy. Last evaluated: 2024-03-06. Review status: criteria provided, single submitter. Criteria: ACMG Guidelines, 2015. Collection method: clinical testing. Allele origin: germline.
Comment: This missense variant replaces isoleucine with leucine at codon 1627 of the MYH7 protein. Computational prediction suggests that this variant may not impact protein structure and function (internally defined REVEL score threshold <= 0.5, PMID: 27666373). To our knowledge, functional studies have not been reported for this variant. This variant has not been reported in individuals affected with cardiovascular disorders in the literature. This variant has not been identified in the general population by the Genome Aggregation Database (gnomAD). The available evidence is insufficient to determine the role of this variant in disease conclusively. Therefore, this variant is classified as a Variant of Uncertain Significance.

All of Us Research Program, National Institutes of Health
Classification: Uncertain significance for Cardiomyopathy. Last evaluated: 2023-06-26. Review status: criteria provided, single submitter. Criteria: ACMG Guidelines, 2015. Collection method: clinical testing. Allele origin: germline. Inheritance: Autosomal dominant inheritance. Observed: 1 variant allele, 1 heterozygote.
Comment: This missense variant replaces isoleucine with leucine at codon 1627 of the MYH7 protein. Computational prediction suggests that this variant may not impact protein structure and function (internally defined REVEL score threshold <= 0.5, PMID: 27666373). To our knowledge, functional studies have not been reported for this variant. This variant has not been reported in individuals affected with cardiovascular disorders in the literature. This variant has not been identified in the general population by the Genome Aggregation Database (gnomAD). The available evidence is insufficient to determine the role of this variant in disease conclusively. Therefore, this variant is classified as a Variant of Uncertain Significance.

This study involves interpretation of variants in research participants for the purpose of population health screening. Participant phenotype was not available at the time of variant classification. Additional details can be found in publication PMID: 35346344, PMCID: PMC8962531